The following is an entry in ClinVar:

ClinVar aggregate classification (germline): Uncertain significance (1 of 4 stars; one submission).

Conditions:
Inborn genetic diseases. Identifiers: MedGen C0950123, MeSH D030342.

Submission:

Ambry Genetics
Classification: Uncertain significance for Inborn genetic diseases. Last evaluated: 2025-09-03. Review status: criteria provided, single submitter. Criteria: Ambry Variant Classification Scheme 2023. Collection method: clinical testing. Allele origin: germline.
Comment: The p.V109I variant (also known as c.325G>A), located in coding exon 2 of the CASQ1 gene, results from a G to A substitution at nucleotide position 325. The valine at codon 109 is replaced by isoleucine, an amino acid with highly similar properties. This amino acid position is conserved. In addition, this alteration is predicted to be tolerated by in silico analysis. Based on the available evidence, the clinical significance of this variant remains unclear.

NM_001231.5(CASQ1):c.325G>A (p.Val109Ile)

Gene: CASQ1 (calsequestrin 1; plus strand). Cytogenetic location: 1q23.2.
Variant type: single nucleotide variant.
Coding change: c.325G>A on transcript NM_001231.5 (MANE Select); coding-DNA position 325, G replaced by A.
Protein change: p.Val109Ile; replaces valine 109 with isoleucine.
Molecular consequence: missense variant.
Genome position (GRCh38, 1-based): chr1:160,192,847, G>A. VCF-style: chr1-160192847-G-A. GRCh37 (hg19) VCF-style: chr1-160162637-G-A.
Other names: short protein forms V109I.
Identifiers: ClinVar variation 3485285 (VCV003485285.2).